The following is an entry in ClinVar:

ClinVar aggregate classification (germline): Uncertain significance. Review status: criteria provided, single submitter (1 of 4 stars). 2 submissions from 2 submitters: Uncertain significance (1). 1 of the submissions does not count toward it. Last evaluated 2021-01-06.

Conditions:
ZNF462-related disorder. Also called: ZNF462-related condition; ZNF462 related disease.

Allele frequency attached by ClinVar (database versions not stated): gnomAD 0.00001; TOPMed 0.00002.
gnomAD v4.1: 1 of 1,614,098 alleles (0.000062%); highest among the groups gnomAD compares: African/African-American, 0.0013%; no homozygotes.

Submissions (2):

GeneDx
Classification: Uncertain significance. Last evaluated: 2021-01-06. Review status: criteria provided, single submitter. Criteria: GeneDx Variant Classification Process June 2021. Collection method: clinical testing. Allele origin: germline. Affected: yes.
Comment: Not observed in large population cohorts (Lek et al., 2016); In silico analysis supports that this missense variant does not alter protein structure/function; Has not been previously published as pathogenic or benign to our knowledge

PreventionGenetics, part of Exact Sciences
Classification: Uncertain significance for ZNF462-related condition. Last evaluated: 2023-12-20. Review status: no assertion criteria provided. Collection method: clinical testing. Allele origin: germline. Not counted in ClinVar's aggregate classification.
Comment: The ZNF462 c.122T>C variant is predicted to result in the amino acid substitution p.Val41Ala. To our knowledge, this variant has not been reported in the literature or in a large population database, indicating this variant is rare. At this time, the clinical significance of this variant is uncertain due to the absence of conclusive functional and genetic evidence.

NM_021224.6(ZNF462):c.122T>C (p.Val41Ala)

Gene: ZNF462 (zinc finger protein 462; plus strand). Cytogenetic location: 9q31.2.
Variant type: single nucleotide variant.
Coding change: c.122T>C on transcript NM_021224.6 (MANE Select); coding-DNA position 122, T replaced by C.
Protein change: p.Val41Ala; replaces valine 41 with alanine.
Molecular consequence: missense variant.
Genome position (GRCh38, 1-based): chr9:106,923,505, T>C. VCF-style: chr9-106923505-T-C. GRCh37 (hg19) VCF-style: chr9-109685786-T-C.
Other names: c.122T>C, p.Val41Ala (NM_001347997.2); c.122T>C (NM_021224.5); short protein forms V41A.
Identifiers: ClinVar variation 1308258 (VCV001308258.4), dbSNP rs1830066702, ClinGen allele CA374381490.
Genomic context (GRCh38, chr9:106,923,505, plus strand): 5'-CACACATTCAGGATGTCCACACGGCATTTCTGCAGCCAACTGATGTTGCTGAGGACAATG[T>C]GAATGAGCTACGATGTGGGTCCGTGAATGCCAGTAATCAGACAGAGGTGGAGTTTTCTTC-3'
Protein context (NP_067047.4, residues 31-51): LQPTDVAEDN[Val41Ala]NELRCGSVNA